The following is an entry in ClinVar:

NM_001395254.1(ZNF185):c.1718C>T (p.Ser573Leu)

Gene: ZNF185 (zinc finger protein 185 with LIM domain; plus strand). Cytogenetic location: Xq28.
Variant type: single nucleotide variant.
Coding change: c.1718C>T on transcript NM_001395254.1 (MANE Select); coding-DNA position 1718, C replaced by T.
Protein change: p.Ser573Leu; replaces serine 573 with leucine.
Molecular consequence: missense variant.
Genome position (GRCh38, 1-based): chrX:152,963,853, C>T. VCF-style: chrX-152963853-C-T. GRCh37 (hg19) VCF-style: chrX-152132397-C-T.
Other names: c.1715C>T, p.Ser572Leu (NM_001178106.1); c.1628C>T, p.Ser543Leu (NM_001178107.1); c.1622C>T, p.Ser541Leu (NM_001178108.2, NM_001388432.2); c.1532C>T, p.Ser511Leu (NM_001178109.1); c.1442C>T, p.Ser481Leu (NM_001178110.1); c.956C>T, p.Ser319Leu (NM_001178113.2); c.533C>T, p.Ser178Leu (NM_001178115.2); c.1619C>T, p.Ser540Leu (NM_007150.3); short protein forms S481L, S540L, S541L, S178L, S319L, S543L, S572L, S511L.
Identifiers: ClinVar variation 5032170 (VCV005032170.1).
Genomic context (GRCh38, chrX:152,963,853, plus strand): 5'-TCAGCTCCCAGGTTGACGTGCCCACCCCTCCCTTTATTTCTTTCAGGGTGAGGAGCCCCT[C>T]GAGCTGCATGGTCACTGTTACTGTCACTGCCACATCTGAGCAGCCTCACATTTATATTCC-3'
Protein context (NP_001382183.1, residues 563-583): ESCTSRVRSP[Ser573Leu]SCMVTVTVTA

ClinVar aggregate classification (germline): Uncertain significance (1 of 4 stars; one submission).

gnomAD v4.1: 19 of 1,209,087 alleles (0.0016%); highest among the groups gnomAD compares: African/African-American, 0.0053%; no homozygotes.

Submission:

Ambry Genetics
Classification: Uncertain significance. Last evaluated: 2026-07-03. Review status: criteria provided, single submitter. Criteria: Ambry Variant Classification Scheme 2023. Collection method: clinical testing. Allele origin: germline.
Comment: The c.1715C>T (p.S572L) alteration is located in exon 19 (coding exon 19) of the ZNF185 gene. This alteration results from a C to T substitution at nucleotide position 1715, causing the serine (S) at amino acid position 572 to be replaced by a leucine (L). Based on data from gnomAD, the T allele has an overall frequency of 0.001% (2/200785) total alleles studied. The highest observed frequency was 0.006% (1/18089) of African alleles. Based on insufficient or conflicting evidence, the clinical significance of this alteration remains unclear.